The following is an entry in ClinVar:

ClinVar aggregate classification (germline): Uncertain significance. Review status: criteria provided, multiple submitters, no conflicts (2 of 4 stars). 3 submissions from 3 submitters: Uncertain significance (2). 1 of the submissions does not count toward it. Last evaluated 2023-09-13.

Conditions:
Inborn genetic diseases. Identifiers: MedGen C0950123, MeSH D030342.
Hereditary insensitivity to pain with anhidrosis (CIPA). Also called: NEUROPATHY, CONGENITAL SENSORY, WITH ANHIDROSIS; NTRK1 Congenital Insensitivity to Pain with Anhidrosis; INSENSITIVITY TO PAIN, CONGENITAL, WITH ANHIDROSIS; FAMILIAL DYSAUTONOMIA, TYPE II; hereditary sensory and autonomic neuropathy type 4; HSAN Type IV. Identifiers: Orphanet 642, MedGen C0020074, MONDO:0009746, OMIM 256800.

Allele frequency attached by ClinVar (database versions not stated): ExAC 0.00001; gnomAD 0.00001; gnomAD exomes 0.00001 and 0.00002.
gnomAD v4.1: 19 of 1,614,030 alleles (0.0012%); highest among the groups gnomAD compares: Middle Eastern, 0.033%; no homozygotes.

Submissions (3):

Ambry Genetics
Classification: Uncertain significance for Inborn genetic diseases. Last evaluated: 2023-09-13. Review status: criteria provided, single submitter. Criteria: Ambry Variant Classification Scheme 2023. Collection method: clinical testing. Allele origin: germline.

Labcorp Genetics (formerly Invitae), Labcorp
Classification: Uncertain significance for Hereditary insensitivity to pain with anhidrosis. Last evaluated: 2021-08-28. Review status: criteria provided, single submitter. Criteria: Invitae Variant Classification Sherloc (09022015). Collection method: clinical testing. Allele origin: germline.
Comment: This sequence change replaces valine with isoleucine at codon 282 of the NTRK1 protein (p.Val282Ile). The valine residue is highly conserved and there is a small physicochemical difference between valine and isoleucine. This variant is present in population databases (rs774654606, ExAC 0.02%). This variant has not been reported in the literature in individuals affected with NTRK1-related conditions. Algorithms developed to predict the effect of missense changes on protein structure and function (SIFT, PolyPhen-2, Align-GVGD) all suggest that this variant is likely to be tolerated. In summary, the available evidence is currently insufficient to determine the role of this variant in disease. Therefore, it has been classified as a Variant of Uncertain Significance.

Natera, Inc.
Classification: Uncertain significance for Hereditary insensitivity to pain with anhidrosis. Last evaluated: 2020-09-16. Review status: no assertion criteria provided. Collection method: clinical testing. Allele origin: germline. Not counted in ClinVar's aggregate classification.

NM_002529.4(NTRK1):c.844G>A (p.Val282Ile)

Gene: NTRK1 (neurotrophic receptor tyrosine kinase 1; plus strand). Cytogenetic location: 1q23.1.
Variant type: single nucleotide variant.
Coding change: c.844G>A on transcript NM_002529.4 (MANE Select); coding-DNA position 844, G replaced by A.
Protein change: p.Val282Ile; replaces valine 282 with isoleucine.
Molecular consequence: missense variant.
Genome position (GRCh38, 1-based): chr1:156,871,749, G>A. VCF-style: chr1-156871749-G-A. GRCh37 (hg19) VCF-style: chr1-156841541-G-A.
Other names: c.754G>A, p.Val252Ile (NM_001007792.1); c.844G>A, p.Val282Ile (NM_001012331.2); short protein forms V252I, V282I.
Identifiers: ClinVar variation 572332 (VCV000572332.8), dbSNP rs774654606, ClinGen allele CA1169110.